The following is an entry in ClinVar:

ClinVar aggregate classification (germline): Uncertain significance (1 of 4 stars; one submission).

Conditions:
Candidiasis, familial, 9 (CANDF9). Identifiers: Orphanet 1334, MedGen C4225324, MONDO:0014642, OMIM 616445.

Allele frequency attached by ClinVar (database versions not stated): gnomAD exomes below 0.00001; TOPMed below 0.00001.
gnomAD v4.1: 2 of 1,613,466 alleles (0.00012%); highest among the groups gnomAD compares: Non-Finnish European, 0.00017%; no homozygotes.

Submission:

Labcorp Genetics (formerly Invitae), Labcorp
Classification: Uncertain significance for Candidiasis, familial, 9. Last evaluated: 2022-10-21. Review status: criteria provided, single submitter. Criteria: Invitae Variant Classification Sherloc (09022015). Collection method: clinical testing. Allele origin: germline.
Comment: This sequence change replaces proline, which is neutral and non-polar, with serine, which is neutral and polar, at codon 360 of the IL17RC protein (p.Pro360Ser). This variant is not present in population databases (gnomAD no frequency). This variant has not been reported in the literature in individuals affected with IL17RC-related conditions. Algorithms developed to predict the effect of missense changes on protein structure and function are either unavailable or do not agree on the potential impact of this missense change (SIFT: "Deleterious"; PolyPhen-2: "Probably Damaging"; Align-GVGD: "Class C0"). In summary, the available evidence is currently insufficient to determine the role of this variant in disease. Therefore, it has been classified as a Variant of Uncertain Significance.

NM_153460.4(IL17RC):c.865C>T (p.Pro289Ser)

Gene: IL17RC (interleukin 17 receptor C; plus strand). Cytogenetic location: 3p25.3.
Variant type: single nucleotide variant.
Coding change: c.865C>T on transcript NM_153460.4 (MANE Select); coding-DNA position 865, C replaced by T.
Protein change: p.Pro289Ser; replaces proline 289 with serine.
Molecular consequence: missense variant. On other transcripts: non-coding transcript variant (1).
Genome position (GRCh38, 1-based): chr3:9,928,208, C>T. VCF-style: chr3-9928208-C-T. GRCh37 (hg19) VCF-style: chr3-9969892-C-T.
Other names: c.865C>T, p.Pro289Ser (NM_001203263.2, NM_001203264.2); c.820C>T, p.Pro274Ser (NM_001203265.2, NM_001367280.1, NM_001410711.1 and 1 more transcripts); c.826C>T, p.Pro276Ser (NM_001367278.1); c.745C>T, p.Pro249Ser (NM_001367279.1); c.1078C>T, p.Pro360Ser (NM_153461.4); short protein forms P249S, P274S, P276S, P289S, P360S.
Identifiers: ClinVar variation 1722029 (VCV001722029.5), dbSNP rs2084281649, ClinGen allele CA351761016.